The following is an entry in ClinVar:

NM_001105206.3(LAMA4):c.5384A>C (p.His1795Pro)

Gene: LAMA4 (laminin subunit alpha 4; minus strand). Cytogenetic location: 6q21.
Variant type: single nucleotide variant.
Coding change: c.5384A>C on transcript NM_001105206.3 (MANE Select); coding-DNA position 5384, A replaced by C.
Protein change: p.His1795Pro; replaces histidine 1795 with proline.
Molecular consequence: missense variant.
Genome position (GRCh38, 1-based): chr6:112,109,525, T>G on the plus strand (A>C on the coding strand, the complement: LAMA4 is on the minus strand). VCF-style: chr6-112109525-T-G. GRCh37 (hg19) VCF-style: chr6-112430728-T-G.
Other names: c.5363A>C, p.His1788Pro (NM_001105207.3, NM_002290.5); short protein forms H1795P, H1788P.
Identifiers: ClinVar variation 845361 (VCV000845361.9), dbSNP rs1777578953, ClinGen allele CA365363588.

ClinVar aggregate classification (germline): Uncertain significance (1 of 4 stars; one submission).

Conditions:
Dilated cardiomyopathy 1JJ (CMD1JJ). Identifiers: Orphanet 154, MedGen C3808935, MONDO:0014095, OMIM 615235.

Allele frequency attached by ClinVar (database versions not stated): gnomAD exomes below 0.00001; gnomAD 0.00001.
gnomAD v4.1: 2 of 1,613,996 alleles (0.00012%); highest among the groups gnomAD compares: Non-Finnish European, 0.000085%; no homozygotes.

Submission:

Labcorp Genetics (formerly Invitae), Labcorp
Classification: Uncertain significance for Dilated cardiomyopathy 1JJ. Last evaluated: 2019-11-27. Review status: criteria provided, single submitter. Criteria: Invitae Variant Classification Sherloc (09022015). Collection method: clinical testing. Allele origin: germline.
Comment: In summary, the available evidence is currently insufficient to determine the role of this variant in disease. Therefore, it has been classified as a Variant of Uncertain Significance. Algorithms developed to predict the effect of missense changes on protein structure and function are either unavailable or do not agree on the potential impact of this missense change (SIFT: "Deleterious"; PolyPhen-2: "Possibly Damaging"; Align-GVGD: "Class C0"). This variant is not present in population databases (ExAC no frequency). This variant has not been reported in the literature in individuals with LAMA4-related conditions. This sequence change replaces histidine with proline at codon 1788 of the LAMA4 protein (p.His1788Pro). The histidine residue is moderately conserved and there is a moderate physicochemical difference between histidine and proline.